The following is an entry in ClinVar:

NM_000179.3(MSH6):c.2465T>A (p.Leu822His)

Gene: MSH6 (mutS homolog 6; plus strand). Cytogenetic location: 2p16.3.
Variant type: single nucleotide variant.
Coding change: c.2465T>A on transcript NM_000179.3 (MANE Select); coding-DNA position 2465, T replaced by A.
Protein change: p.Leu822His; replaces leucine 822 with histidine.
Molecular consequence: missense variant.
Genome position (GRCh38, 1-based): chr2:47,800,448, T>A. VCF-style: chr2-47800448-T-A. GRCh37 (hg19) VCF-style: chr2-48027587-T-A.
Other names: c.2075T>A, p.Leu692His (NM_001281492.2); c.1559T>A, p.Leu520His (NM_001281493.2, NM_001281494.2); short protein forms L520H, L692H, L822H.
Identifiers: ClinVar variation 1462413 (VCV001462413.6), dbSNP rs2104408194, ClinGen allele CA346754098.

ClinVar aggregate classification (germline): Uncertain significance (1 of 4 stars; one submission).

Conditions:
Hereditary nonpolyposis colorectal neoplasms. Identifiers: MedGen C0009405, MeSH D003123.

Submission:

Labcorp Genetics (formerly Invitae), Labcorp
Classification: Uncertain significance for Hereditary nonpolyposis colorectal neoplasms. Last evaluated: 2021-11-30. Review status: criteria provided, single submitter. Criteria: Invitae Variant Classification Sherloc (09022015). Collection method: clinical testing. Allele origin: germline.
Comment: This sequence change replaces leucine, which is neutral and non-polar, with histidine, which is basic and polar, at codon 822 of the MSH6 protein (p.Leu822His). This variant is not present in population databases (gnomAD no frequency). This variant has not been reported in the literature in individuals affected with MSH6-related conditions. Advanced modeling of protein sequence and biophysical properties (such as structural, functional, and spatial information, amino acid conservation, physicochemical variation, residue mobility, and thermodynamic stability) performed at Invitae indicates that this missense variant is expected to disrupt MSH6 protein function. In summary, the available evidence is currently insufficient to determine the role of this variant in disease. Therefore, it has been classified as a Variant of Uncertain Significance.